The following is an entry in ClinVar:

NM_004004.6(GJB2):c.610del (p.Leu204fs)

Gene: GJB2 (gap junction protein beta 2; minus strand). Cytogenetic location: 13q12.11.
Variant type: Deletion.
Coding change: c.610del on transcript NM_004004.6 (MANE Select); coding-DNA position 610, one base deleted (C; older notation c.610delC).
Protein change: p.Leu204fs; shifts the reading frame from leucine 204.
Molecular consequence: frameshift variant.
Genome position (GRCh38, 1-based): chr13:20,188,972, G deleted on the plus strand (C on the coding strand, the reverse complement: GJB2 is on the minus strand); the first of 2 consecutive G bases (chr13:20,188,972-20,188,973); deleting either gives the same sequence. VCF-style (leftmost placement, unchanged base first): chr13-20188971-AG-A. GRCh37 (hg19) VCF-style: chr13-20763110-AG-A.
Other names: short protein forms L204fs.
Identifiers: ClinVar variation 3601148 (VCV003601148.1).

ClinVar aggregate classification (germline): Pathogenic (1 of 4 stars; one submission).

Conditions:
Autosomal recessive nonsyndromic hearing loss 1A (DFNB1A). Also called: GJB6-Related DFNB 1 Nonsyndromic Hearing Loss and Deafness; Nonsyndromic Hearing Loss and Deafness, DFNB1; GJB2-Related Autosomal Recessive Nonsyndromic Hearing Loss; Deafness, autosomal recessive 1A; Connexin 26 deafness; Deafness nonsyndromic, Connexin 26 linked. Identifiers: Orphanet 90636, MedGen C2673759, MONDO:0009076, OMIM 220290.

Submission:

Institute of Rare Diseases, West China Hospital, Sichuan University
Classification: Pathogenic for Autosomal recessive nonsyndromic hearing loss 1A. Last evaluated: 2025-01-09. Review status: criteria provided, single submitter. Criteria: ClinGen HL ACMG Specifications v1. Collection method: research. Allele origin: germline. Affected: yes.
Comment: PVS1;PM3;PM2_Supporting